The following is an entry in ClinVar:

NM_000257.4(MYH7):c.6A>G (p.Gly2=)

Gene: MYH7 (myosin heavy chain 7; minus strand). Cytogenetic location: 14q11.2.
Variant type: single nucleotide variant.
Coding change: c.6A>G on transcript NM_000257.4 (MANE Select); coding-DNA position 6, A replaced by G.
Protein change: p.Gly2=; no amino-acid change (glycine 2 retained).
Molecular consequence: synonymous variant.
Genome position (GRCh38, 1-based): chr14:23,433,727, T>C on the plus strand (A>G on the coding strand, the complement: MYH7 is on the minus strand). VCF-style: chr14-23433727-T-C. GRCh37 (hg19) VCF-style: chr14-23902936-T-C.
Other names: c.6A>G (LRG_384t1).
Identifiers: ClinVar variation 511412 (VCV000511412.1), dbSNP rs1555338898, ClinGen allele CA485627209.

ClinVar aggregate classification (germline): Likely benign (1 of 4 stars; one submission).

Allele frequency attached by ClinVar (database versions not stated): gnomAD exomes below 0.00001.
gnomAD v4.1: 1 of 1,613,902 alleles (0.000062%); highest among the groups gnomAD compares: African/African-American, 0.0013%; no homozygotes.

Submission:

GeneDx
Classification: Likely benign. Last evaluated: 2017-08-10. Review status: criteria provided, single submitter. Criteria: GeneDx Variant Classification (06012015). Collection method: clinical testing. Allele origin: germline. Affected: yes.
Comment: This variant is considered likely benign or benign based on one or more of the following criteria: it is a conservative change, it occurs at a poorly conserved position in the protein, it is predicted to be benign by multiple in silico algorithms, and/or has population frequency not consistent with disease.